The following is an entry in ClinVar:

ClinVar aggregate classification (germline): Uncertain significance (1 of 4 stars; one submission).

Conditions:
Neuronopathy, distal hereditary motor, autosomal recessive 4. Also called: Autosomal recessive lower motor neuron disease with childhood onset; NEUROPATHY, DISTAL HEREDITARY MOTOR, AUTOSOMAL RECESSIVE 4. Identifiers: Orphanet 206580, MedGen C1970211, MONDO:0012608, OMIM 611067.
Charcot-Marie-Tooth disease recessive intermediate C. Also called: CHARCOT-MARIE-TOOTH NEUROPATHY, RECESSIVE INTERMEDIATE C. Identifiers: Orphanet 369867, MedGen C3809309, MONDO:0014154, OMIM 615376.

gnomAD v4.1: 1 of 1,613,816 alleles (0.000062%); no homozygotes.

Submission:

Labcorp Genetics (formerly Invitae), Labcorp
Classification: Uncertain significance for Neuronopathy, distal hereditary motor, autosomal recessive 4; Charcot-Marie-Tooth disease recessive intermediate C. Last evaluated: 2024-11-11. Review status: criteria provided, single submitter. Criteria: Invitae Variant Classification Sherloc (09022015). Collection method: clinical testing. Allele origin: germline.
Comment: This sequence change replaces aspartic acid, which is acidic and polar, with glutamic acid, which is acidic and polar, at codon 268 of the PLEKHG5 protein (p.Asp268Glu). This variant is not present in population databases (gnomAD no frequency). This variant has not been reported in the literature in individuals affected with PLEKHG5-related conditions. An algorithm developed to predict the effect of missense changes on protein structure and function (PolyPhen-2) suggests that this variant is likely to be tolerated. In summary, the available evidence is currently insufficient to determine the role of this variant in disease. Therefore, it has been classified as a Variant of Uncertain Significance.

NM_020631.6(PLEKHG5):c.804C>G (p.Asp268Glu)

Gene: PLEKHG5 (pleckstrin homology and RhoGEF domain containing G5; minus strand). Cytogenetic location: 1p36.31.
Variant type: single nucleotide variant.
Coding change: c.804C>G on transcript NM_020631.6 (MANE Select); coding-DNA position 804, C replaced by G.
Protein change: p.Asp268Glu; replaces aspartic acid 268 with glutamic acid.
Molecular consequence: missense variant.
Genome position (GRCh38, 1-based): chr1:6,473,166, G>C on the plus strand (C>G on the coding strand, the complement: PLEKHG5 is on the minus strand). VCF-style: chr1-6473166-G-C. GRCh37 (hg19) VCF-style: chr1-6533226-G-C.
Other names: c.915C>G, p.Asp305Glu (NM_001042663.3, NM_001265592.2); c.804C>G, p.Asp268Glu (NM_001042664.2, NM_001042665.2, NM_001265594.3 and 1 more transcripts); c.1011C>G, p.Asp337Glu (NM_001265593.2); short protein forms D268E, D305E, D337E.
Identifiers: ClinVar variation 3751089 (VCV003751089.2).
Genomic context (GRCh38, chr1:6,473,166, plus strand): 5'-CAGCCTGGGCAGCCCGAAGAGGCTGTAGGTGTGCAGCTTGCCCTCCAGCTGCTCCATCTT[G>C]TCTACCTCCTGGAAAGATACCCTGGTCAGGGTCAGGGGTCATGGCCAGCCAGCTGCCTGA-3'
Protein context (NP_065682.2, residues 258-278): PSTSAFGREV[Asp268Glu]KMEQLEGKLH